The following is an entry in ClinVar:

ClinVar aggregate classification (germline): Likely pathogenic (1 of 4 stars; one submission).

Conditions:
Maple syrup urine disease (MSUD). Identifiers: Orphanet 511, MedGen C0024776, MeSH D008375, MONDO:0009563. Disease mechanism: loss of function.

Submission:

Myriad Genetics, Inc.
Classification: Likely pathogenic for Maple syrup urine disease type 1A. Last evaluated: 2019-07-15. Review status: criteria provided, single submitter. Criteria: Myriad Women's Health Autosomal Recessive and X-Linked Classification Criteria (2019). Collection method: clinical testing. Allele origin: unknown.
Comment: NM_001918.3(DBT):c.187C>T(Q63*) is expected to be pathogenic in the context of maple syrup urine disease type II. This variant is predicted to lead to an abnormal or absent protein product due to the creation of a premature termination codon in DBT, a gene where loss-of-function variants are known to be pathogenic. Please note: this variant was assessed in the context of healthy population screening.

NM_001918.5(DBT):c.187C>T (p.Gln63Ter)

Gene: DBT (dihydrolipoamide branched chain transacylase E2; minus strand). Cytogenetic location: 1p21.2.
Variant type: single nucleotide variant.
Coding change: c.187C>T on transcript NM_001918.5 (MANE Select); coding-DNA position 187, C replaced by T.
Protein change: p.Gln63Ter; replaces glutamine 63 with a stop codon.
Molecular consequence: nonsense.
Genome position (GRCh38, 1-based): chr1:100,235,500, G>A on the plus strand (C>T on the coding strand, the complement: DBT is on the minus strand). VCF-style: chr1-100235500-G-A. GRCh37 (hg19) VCF-style: chr1-100701056-G-A.
Other names: short protein forms Q63*.
Identifiers: ClinVar variation 983642 (VCV000983642.3), dbSNP rs1663814241, ClinGen allele CA341345602.
Genomic context (GRCh38, chr1:100,235,500, plus strand): 5'-CTTTAACAGTTACTTCTCTAATCCCTTCTCCAATGTCTGAGAGCTTGAACTGAACAACCT[G>A]TCCACGGAGAGCTTCAAAGACAAATGAGAAATGATCTCATTAAGTATATAACATATTACT-3'